The following is an entry in ClinVar:

NM_000264.5(PTCH1):c.3743G>T (p.Gly1248Val)

Gene: PTCH1 (patched 1; minus strand). Cytogenetic location: 9q22.32.
Variant type: single nucleotide variant.
Coding change: c.3743G>T on transcript NM_000264.5 (MANE Select); coding-DNA position 3743, G replaced by T.
Protein change: p.Gly1248Val; replaces glycine 1248 with valine.
Molecular consequence: missense variant. On other transcripts: non-coding transcript variant (1).
Genome position (GRCh38, 1-based): chr9:95,449,130, C>A on the plus strand (G>T on the coding strand, the complement: PTCH1 is on the minus strand). VCF-style: chr9-95449130-C-A. GRCh37 (hg19) VCF-style: chr9-98211412-C-A.
Other names: c.3545G>T, p.Gly1182Val (NM_001083602.3); c.3740G>T, p.Gly1247Val (NM_001083603.3); c.3290G>T, p.Gly1097Val (NM_001083604.3, NM_001083605.3, NM_001083606.3 and 1 more transcripts); c.3587G>T, p.Gly1196Val (NM_001354918.2); short protein forms G1097V, G1247V, G1248V, G1182V, G1196V.
Identifiers: ClinVar variation 1734494 (VCV001734494.2), dbSNP rs375857496, ClinGen allele CA374111023.

ClinVar aggregate classification (germline): Uncertain significance (1 of 4 stars; one submission).

Conditions:
Hereditary cancer-predisposing syndrome. Also called: Neoplastic Syndromes, Hereditary; Tumor predisposition; Hereditary Cancer Syndrome; Hereditary neoplastic syndrome. Identifiers: Orphanet 140162, MedGen C0027672, MeSH D009386, MONDO:0015356.

Submission:

Ambry Genetics
Classification: Uncertain significance for Hereditary cancer-predisposing syndrome. Last evaluated: 2022-04-03. Review status: criteria provided, single submitter. Criteria: Ambry Variant Classification Scheme 2023. Collection method: clinical testing. Allele origin: germline.
Comment: The p.G1248V variant (also known as c.3743G>T), located in coding exon 22 of the PTCH1 gene, results from a G to T substitution at nucleotide position 3743. The glycine at codon 1248 is replaced by valine, an amino acid with dissimilar properties. This amino acid position is conserved. In addition, this alteration is predicted to be tolerated by in silico analysis. Since supporting evidence is limited at this time, the clinical significance of this alteration remains unclear.